The following is an entry in ClinVar:

NM_001371986.1(UNC80):c.5788C>T (p.Arg1930Trp)

Gene: UNC80 (unc-80 subunit of NALCN channel complex; plus strand). Cytogenetic location: 2q34.
Variant type: single nucleotide variant.
Coding change: c.5788C>T on transcript NM_001371986.1 (MANE Select); coding-DNA position 5788, C replaced by T.
Protein change: p.Arg1930Trp; replaces arginine 1930 with tryptophan.
Molecular consequence: missense variant.
Genome position (GRCh38, 1-based): chr2:209,926,968, C>T. VCF-style: chr2-209926968-C-T. GRCh37 (hg19) VCF-style: chr2-210791692-C-T.
Other names: c.5590C>T, p.Arg1864Trp (NM_032504.2); c.5575C>T, p.Arg1859Trp (NM_182587.4); c.5590C>T (NM_032504.1); short protein forms R1930W, R1859W, R1864W.
Identifiers: ClinVar variation 1379989 (VCV001379989.4), dbSNP rs143027081, ClinGen allele CA2083322.

ClinVar aggregate classification (germline): Uncertain significance. Review status: criteria provided, multiple submitters, no conflicts (2 of 4 stars). 2 submissions from 2 submitters: Uncertain significance (2). Last evaluated 2026-03-12.

Allele frequency attached by ClinVar (database versions not stated): TOPMed 0.00001; gnomAD 0.00002 and 0.00003; gnomAD exomes 0.00002; ExAC 0.00004; 1000 Genomes Project 30x 0.00031; 1000 Genomes Project 0.00040.
gnomAD v4.1: 14 of 1,551,816 alleles (0.0009%); highest among the groups gnomAD compares: East Asian, 0.0049%; no homozygotes.

Submissions (2):

GeneDx
Classification: Uncertain significance. Last evaluated: 2026-03-12. Review status: criteria provided, single submitter. Criteria: GeneDx Variant Classification Process June 2021. Collection method: clinical testing. Allele origin: germline.
Comment: In silico analysis supports that this missense variant has a deleterious effect on protein structure/function; In silico analysis is inconclusive as to whether the variant alters gene splicing. In the absence of RNA/functional studies, the actual effect of this sequence change is unknown.; Has not been previously published as pathogenic or benign to our knowledge

Labcorp Genetics (formerly Invitae), Labcorp
Classification: Uncertain significance. Last evaluated: 2022-04-15. Review status: criteria provided, single submitter. Criteria: Invitae Variant Classification Sherloc (09022015). Collection method: clinical testing. Allele origin: germline.
Comment: This sequence change replaces arginine, which is basic and polar, with tryptophan, which is neutral and slightly polar, at codon 1864 of the UNC80 protein (p.Arg1864Trp). The frequency data for this variant in the population databases is considered unreliable, as metrics indicate poor data quality at this position in the gnomAD database. This variant has not been reported in the literature in individuals affected with UNC80-related conditions. Algorithms developed to predict the effect of missense changes on protein structure and function are either unavailable or do not agree on the potential impact of this missense change (SIFT: "Not Available"; PolyPhen-2: "Probably Damaging"; Align-GVGD: "Not Available"). Algorithms developed to predict the effect of sequence changes on RNA splicing suggest that this variant may disrupt the consensus splice site. In summary, the available evidence is currently insufficient to determine the role of this variant in disease. Therefore, it has been classified as a Variant of Uncertain Significance.